The following is an entry in ClinVar:

NM_001084.5(PLOD3):c.865C>T (p.Leu289Phe)

Gene: PLOD3 (procollagen-lysine,2-oxoglutarate 5-dioxygenase 3; minus strand). Cytogenetic location: 7q22.1.
Variant type: single nucleotide variant.
Coding change: c.865C>T on transcript NM_001084.5 (MANE Select); coding-DNA position 865, C replaced by T.
Protein change: p.Leu289Phe; replaces leucine 289 with phenylalanine.
Molecular consequence: missense variant.
Genome position (GRCh38, 1-based): chr7:101,212,856, G>A on the plus strand (C>T on the coding strand, the complement: PLOD3 is on the minus strand). VCF-style: chr7-101212856-G-A. GRCh37 (hg19) VCF-style: chr7-100856137-G-A.
Other names: short protein forms L289F.
Identifiers: ClinVar variation 1947699 (VCV001947699.5), dbSNP rs1385274325, ClinGen allele CA368619949.

ClinVar aggregate classification (germline): Uncertain significance (1 of 4 stars; one submission).

gnomAD v4.1: 2 of 1,612,440 alleles (0.00012%); highest among the groups gnomAD compares: Non-Finnish European, 0.00017%; no homozygotes.

Submission:

Labcorp Genetics (formerly Invitae), Labcorp
Classification: Uncertain significance. Last evaluated: 2022-01-04. Review status: criteria provided, single submitter. Criteria: Invitae Variant Classification Sherloc (09022015). Collection method: clinical testing. Allele origin: germline.
Comment: Algorithms developed to predict the effect of missense changes on protein structure and function are either unavailable or do not agree on the potential impact of this missense change (SIFT: "Deleterious"; PolyPhen-2: "Benign"; Align-GVGD: "Class C0"). This variant has not been reported in the literature in individuals affected with PLOD3-related conditions. This variant is not present in population databases (gnomAD no frequency). This sequence change replaces leucine, which is neutral and non-polar, with phenylalanine, which is neutral and non-polar, at codon 289 of the PLOD3 protein (p.Leu289Phe). In summary, the available evidence is currently insufficient to determine the role of this variant in disease. Therefore, it has been classified as a Variant of Uncertain Significance.